The following is an entry in ClinVar:

NM_001267550.2(TTN):c.3295G>A (p.Val1099Met)

Gene: TTN (titin; minus strand). Cytogenetic location: 2q31.2.
Variant type: single nucleotide variant.
Coding change: c.3295G>A on transcript NM_001267550.2 (MANE Select); coding-DNA position 3295, G replaced by A.
Protein change: p.Val1099Met; replaces valine 1099 with methionine.
Molecular consequence: missense variant.
Genome position (GRCh38, 1-based): chr2:178,782,297, C>T on the plus strand (G>A on the coding strand, the complement: TTN is on the minus strand). VCF-style: chr2-178782297-C-T. GRCh37 (hg19) VCF-style: chr2-179647024-C-T.
Other names: c.3295G>A, p.Val1099Met (NM_001256850.1, NM_133378.4, NM_133379.5); c.3157G>A, p.Val1053Met (NM_003319.4, NM_133432.3, NM_133437.4); short protein forms V1099M, V1053M.
Identifiers: ClinVar variation 46938 (VCV000046938.22), dbSNP rs368282893, ClinGen allele CA139572.
Genomic context (GRCh38, chr2:178,782,297, plus strand): 5'-CAGATTTTTTCCAGTATACATGGGGCTTTGGGTTGCCGCCAACTTGGCATCCAAACACCA[C>T]GCTCCCACCTTCCACCAGTTTCTGGACCACTGGTTTTGTAATAAAGTAAGGCGCGGCAGG-3'
Protein context (NP_001254479.2, residues 1089-1109): VVQKLVEGGS[Val1099Met]VFGCQVGGNP

ClinVar aggregate classification (germline): Conflicting classifications of pathogenicity. Review status: criteria provided, conflicting classifications (1 of 4 stars). 15 submissions from 11 submitters: Uncertain significance (8); Likely benign (4). 3 of the submissions do not count toward it. Last evaluated 2026-07-07.

Conditions:
TTN-related disorder. Also called: TTN-related condition; TTN-related disease; TTN-related disorders.
Autosomal recessive limb-girdle muscular dystrophy type 2J (LGMDR10). Also called: Limb-girdle muscular dystrophy, type 2J; MUSCULAR DYSTROPHY, LIMB-GIRDLE, AUTOSOMAL RECESSIVE 10. Identifiers: Orphanet 140922, MedGen C1837342, MONDO:0012127, OMIM 608807.
Dilated cardiomyopathy 1G (CMD1G). Identifiers: Orphanet 154, MedGen C1858763, MONDO:0011400, OMIM 604145.
Early-onset myopathy with fatal cardiomyopathy (CMYO5). Also called: Salih Myopathy; CONGENITAL MYOPATHY 5 WITH CARDIOMYOPATHY. Identifiers: Orphanet 289377, MedGen C2673677, MONDO:0012714, OMIM 611705. Disease mechanism: loss of function.
Myopathy, myofibrillar, 9, with early respiratory failure (MFM9). Also called: Hereditary myopathy with early respiratory failure; EDSTROM MYOPATHY; MYOPATHY, PROXIMAL, WITH EARLY RESPIRATORY MUSCLE INVOLVEMENT; Myopathy, distal, with early respiratory failure, autosomal dominant. Identifiers: Orphanet 178464, Orphanet 34521, MedGen C1863599, MONDO:0011362, OMIM 603689.
Tibial muscular dystrophy (TMD). Also called: Tibial muscular dystrophy, tardive; UDD MYOPATHY; Udd Distal Myopathy – Tibial Muscular Dystrophy. Identifiers: Orphanet 609, MedGen C1838244, MONDO:0010870, OMIM 600334.
Primary dilated cardiomyopathy (DCM). Also called: Dilated Cardiomyopathy. Identifiers: Orphanet 217604, MedGen C0007193, MeSH D002311, MONDO:0005021, HP:0001644. Inheritance: Various modes of inheritance.

Allele frequency attached by ClinVar (database versions not stated): ExAC 0.00002; gnomAD exomes 0.00003 and 0.00006; gnomAD 0.00006 and 0.00007; TOPMed 0.00009; ESP Exome Variant Server 0.00015.
gnomAD v4.1: 95 of 1,614,094 alleles (0.0059%); highest among the groups gnomAD compares: Middle Eastern, 0.049%; no homozygotes.

Submissions (15):

PreventionGenetics, part of Exact Sciences
Classification: Uncertain significance for TTN-related condition. Last evaluated: 2026-07-07. Review status: criteria provided, single submitter. Criteria: ACMG Guidelines, 2015. Collection method: clinical testing. Allele origin: germline.
Comment: The TTN c.3295G>A variant is predicted to result in the amino acid substitution p.Val1099Met. This variant has been reported as a variant of uncertain significance in a cohort of individuals with left ventricular noncompaction cardiomyopathy (Table S2, Richard et al. 2019. PubMed ID: 30471092). This variant is reported in 0.0085% of alleles in individuals of Latino descent in gnomAD. At this time, the clinical significance of this variant is uncertain due to the absence of conclusive functional and genetic evidence.

Molecular Diagnostic Laboratory for Inherited Cardiovascular Disease, Montreal Heart Institute
Classification: Likely benign. Last evaluated: 2025-04-09. Review status: criteria provided, single submitter. Criteria: ACMG Guidelines, 2015. Collection method: clinical testing. Allele origin: germline. Affected: no.

Genomic Medicine Center of Excellence, King Faisal Specialist Hospital and Research Centre
Classification: Uncertain significance for Dilated cardiomyopathy 1G. Last evaluated: 2025-01-04. Review status: criteria provided, single submitter. Criteria: ACMG Guidelines, 2015. Collection method: clinical testing. Allele origin: germline.

GeneDx
Classification: Likely benign. Last evaluated: 2020-12-09. Review status: criteria provided, single submitter. Criteria: GeneDx Variant Classification Process June 2021. Collection method: clinical testing. Allele origin: germline. Affected: yes.

Laboratory for Molecular Medicine, Mass General Brigham Personalized Medicine
Classification: Uncertain significance. Last evaluated: 2019-01-25. Review status: criteria provided, single submitter. Criteria: LMM Criteria. Collection method: clinical testing. Allele origin: germline. Observed: 1 variant allele.
Comment: Variant classified as Uncertain Significance - Favor Benign. Disclaimer: This variant has not undergone full assessment. The following are preliminary notes: Not reported in the literature. LB to VUS in ClinVar. Identified in 9/282508 chromosomes in gnomAD.

Illumina Laboratory Services, Illumina
Classification: Likely benign for Myopathy, myofibrillar, 9, with early respiratory failure. Last evaluated: 2018-01-12. Review status: criteria provided, single submitter. Criteria: ICSL Variant Classification Criteria 13 December 2019. Collection method: clinical testing. Allele origin: germline.
Comment: This variant was observed in the ICSL laboratory as part of a predisposition screen in an ostensibly healthy population. It had not been previously curated by ICSL or reported in the Human Gene Mutation Database (HGMD: prior to June 1st, 2018), and was therefore a candidate for classification through an automated scoring system. Utilizing variant allele frequency, disease prevalence and penetrance estimates, and inheritance mode, an automated score was calculated to assess if this variant is too frequent to cause the disease. Based on the score and internal cut-off values, a variant classified as likely benign is not then subjected to further curation. The score for this variant resulted in a classification of likely benign for this disease.

Illumina Laboratory Services, Illumina
Classification: Likely benign for Tibial muscular dystrophy. Last evaluated: 2018-01-12. Review status: criteria provided, single submitter. Criteria: ICSL Variant Classification Criteria 13 December 2019. Collection method: clinical testing. Allele origin: germline.
Comment: the same text as in the submission from Illumina Laboratory Services, Illumina above.

Illumina Laboratory Services, Illumina
Classification: Uncertain significance for Dilated cardiomyopathy 1G. Last evaluated: 2018-01-12. Review status: criteria provided, single submitter. Criteria: ICSL Variant Classification Criteria 13 December 2019. Collection method: clinical testing. Allele origin: germline.

Illumina Laboratory Services, Illumina
Classification: Uncertain significance for Autosomal recessive limb-girdle muscular dystrophy type 2J. Last evaluated: 2018-01-12. Review status: criteria provided, single submitter. Criteria: ICSL Variant Classification Criteria 13 December 2019. Collection method: clinical testing. Allele origin: germline.

Illumina Laboratory Services, Illumina
Classification: Uncertain significance for Early-onset myopathy with fatal cardiomyopathy. Last evaluated: 2018-01-12. Review status: criteria provided, single submitter. Criteria: ICSL Variant Classification Criteria 13 December 2019. Collection method: clinical testing. Allele origin: germline.

Labcorp Genetics (formerly Invitae), Labcorp
Classification: Uncertain significance for Dilated cardiomyopathy 1G; Autosomal recessive limb-girdle muscular dystrophy type 2J. Last evaluated: 2017-10-13. Review status: criteria provided, single submitter. Criteria: Invitae Variant Classification Sherloc (09022015). Collection method: clinical testing. Allele origin: germline.

Genetics and Genomics Program, Sidra Medicine
Classification: Uncertain significance for Primary dilated cardiomyopathy. Review status: criteria provided, single submitter. Criteria: ACMG Guidelines, 2015. Collection method: research. Allele origin: unknown. Affected: yes. Observed: 1 variant allele.

Clinical Genetics DNA and cytogenetics Diagnostics Lab, Erasmus MC, Erasmus Medical Center
Classification: Uncertain significance. Review status: no assertion criteria provided. Collection method: clinical testing. Allele origin: germline. Affected: yes. Study: VKGL Data-share Consensus. Not counted in ClinVar's aggregate classification.

Clinical Genetics, Academic Medical Center
Classification: Uncertain significance. Review status: no assertion criteria provided. Collection method: clinical testing. Allele origin: germline. Affected: yes. Study: VKGL Data-share Consensus. Not counted in ClinVar's aggregate classification.

Genome Diagnostics Laboratory, Amsterdam University Medical Center
Classification: Uncertain significance. Review status: no assertion criteria provided. Collection method: clinical testing. Allele origin: germline. Affected: yes. Study: VKGL Data-share Consensus. Not counted in ClinVar's aggregate classification.